The following is an entry in ClinVar:

ClinVar aggregate classification (germline): Uncertain significance (1 of 4 stars; one submission).

Submission:

Dasa
Classification: Uncertain significance. Last evaluated: 2025-05-20. Review status: criteria provided, single submitter. Criteria: DASA Assertion Criteria. Collection method: clinical testing. Allele origin: germline.
Comment: NM_078470.6(COX15):c.1133dup (p.Tyr378*) is a frameshift variant in COX15 predicted to alter the reading frame and introduce a premature termination codon and is predicted to result in an absent or altered protein product. This variant is absent from population databases. The currently available literature and clinical evidence are not sufficient to establish a definitive association between this variant and the reported condition. Therefore, this variant is classified as a variant of uncertain significance.

NM_078470.6(COX15):c.1133dup (p.Tyr378Ter)

Gene: COX15 (cytochrome c oxidase assembly factor COX15; minus strand). Cytogenetic location: 10q24.2.
Variant type: Duplication.
Coding change: c.1133dup on transcript NM_078470.6 (MANE Select); coding-DNA position 1133, one base duplicated (A; older notation c.1133dupA).
Protein change: p.Tyr378Ter; replaces tyrosine 378 with a stop codon.
Molecular consequence: nonsense. On other transcripts: intron variant (4), 3 prime UTR variant (2), non-coding transcript variant (1).
Genome position (GRCh38, 1-based): chr10:99,714,687, T duplicated on the plus strand (A on the coding strand, the reverse complement: COX15 is on the minus strand). VCF-style (leftmost placement, unchanged base first): chr10-99714686-A-AT. GRCh37 (hg19) VCF-style: chr10-101474443-A-AT.
Other names: c.1101+1661dup (NM_001320974.2); c.*50-723dup (NM_001372028.1); c.1102-1208dup (NM_004376.7); c.1102-723dup (NM_001372024.1); c.*81dup (NM_001320975.2); c.596dup, p.Tyr199Ter (NM_001320976.2); c.1151dup, p.Tyr384Ter (NM_001372025.1); c.1106dup, p.Tyr369Ter (NM_001372026.1); and 1 more; short protein forms Y199*, Y369*, Y378*, Y384*.
Identifiers: ClinVar variation 4883898 (VCV004883898.2).